The following is an entry in ClinVar:

ClinVar aggregate classification (germline): Uncertain significance. Review status: criteria provided, multiple submitters, no conflicts (2 of 4 stars). 2 submissions from 2 submitters: Uncertain significance (2). Last evaluated 2025-09-28.

Conditions:
Inborn genetic diseases. Identifiers: MedGen C0950123, MeSH D030342.

Allele frequency attached by ClinVar (database versions not stated): TOPMed 0.00002; 1000 Genomes Project 0.00020; gnomAD exomes 0.00004; ExAC 0.00002; gnomAD 0.00002; 1000 Genomes Project 30x 0.00016.
gnomAD v4.1: 66 of 1,613,952 alleles (0.0041%); highest among the groups gnomAD compares: Admixed American, 0.0083%; no homozygotes.

Submissions (2):

Ambry Genetics
Classification: Uncertain significance for Inborn genetic diseases. Last evaluated: 2025-09-28. Review status: criteria provided, single submitter. Criteria: Ambry Variant Classification Scheme 2023. Collection method: clinical testing. Allele origin: germline.

Labcorp Genetics (formerly Invitae), Labcorp
Classification: Uncertain significance. Last evaluated: 2022-08-09. Review status: criteria provided, single submitter. Criteria: Invitae Variant Classification Sherloc (09022015). Collection method: clinical testing. Allele origin: germline.
Comment: This sequence change replaces alanine, which is neutral and non-polar, with aspartic acid, which is acidic and polar, at codon 633 of the DMXL2 protein (p.Ala633Asp). This variant is present in population databases (rs552339161, gnomAD 0.01%). This variant has not been reported in the literature in individuals affected with DMXL2-related conditions. Algorithms developed to predict the effect of missense changes on protein structure and function (SIFT, PolyPhen-2, Align-GVGD) all suggest that this variant is likely to be tolerated. In summary, the available evidence is currently insufficient to determine the role of this variant in disease. Therefore, it has been classified as a Variant of Uncertain Significance.

NM_001378457.1(DMXL2):c.1898C>A (p.Ala633Asp)

Gene: DMXL2 (Dmx like 2; minus strand). Cytogenetic location: 15q21.2.
Variant type: single nucleotide variant.
Coding change: c.1898C>A on transcript NM_001378457.1 (MANE Select); coding-DNA position 1898, C replaced by A.
Protein change: p.Ala633Asp; replaces alanine 633 with aspartic acid.
Molecular consequence: missense variant. On other transcripts: non-coding transcript variant (2).
Genome position (GRCh38, 1-based): chr15:51,536,582, G>T on the plus strand (C>A on the coding strand, the complement: DMXL2 is on the minus strand). VCF-style: chr15-51536582-G-T. GRCh37 (hg19) VCF-style: chr15-51828779-G-T.
Other names: c.1898C>A, p.Ala633Asp (NM_001174116.3, NM_001174117.3, NM_001378458.1 and 6 more transcripts); c.1658C>A, p.Ala553Asp (NM_001378464.1); c.1898C>A (NM_001174116.1); short protein forms A633D, A553D.
Identifiers: ClinVar variation 2064616 (VCV002064616.2), dbSNP rs552339161, ClinGen allele CA7562490.